The following is an entry in ClinVar:

ClinVar aggregate classification (germline): Pathogenic (1 of 4 stars; one submission).

Conditions:
PKD1-related disorder. Also called: PKD1-related condition.

Submission:

PreventionGenetics, part of Exact Sciences
Classification: Pathogenic for PKD1-related condition. Last evaluated: 2026-01-14. Review status: criteria provided, single submitter. Criteria: ACMG Guidelines, 2015. Collection method: clinical testing. Allele origin: germline.
Comment: The PKD1 c.9922delA variant is predicted to result in a frameshift and premature protein termination (p.Ser3308Alafs*8). To our knowledge, this variant has not been reported in the literature or in a large population database (gnomAD), indicating this variant is rare. Frameshift variants in PKD1 are expected to be pathogenic. This variant is interpreted as pathogenic.

NM_001009944.3(PKD1):c.9922del (p.Ser3308fs)

Gene: PKD1 (polycystin 1, transient receptor potential channel interacting; minus strand). Cytogenetic location: 16p13.3.
Variant type: Deletion.
Coding change: c.9922del on transcript NM_001009944.3 (MANE Select); coding-DNA position 9922, one base deleted (A; older notation c.9922delA).
Protein change: p.Ser3308fs; shifts the reading frame from serine 3308.
Molecular consequence: frameshift variant.
Genome position (GRCh38, 1-based): chr16:2,099,862, T deleted on the plus strand (A on the coding strand, the reverse complement: PKD1 is on the minus strand). VCF-style (leftmost placement, unchanged base first): chr16-2099861-CT-C. GRCh37 (hg19) VCF-style: chr16-2149862-CT-C.
Other names: c.9922del, p.Ser3308fs (NM_000296.4); short protein forms S3308fs.
Identifiers: ClinVar variation 4995496 (VCV004995496.1).